The following is an entry in ClinVar:

ClinVar aggregate classification (germline): Uncertain significance (1 of 4 stars; one submission).

Conditions:
Nephronophthisis 14 (NPHP14). Identifiers: Orphanet 2318, MedGen C3539071, MONDO:0013916, OMIM 614844.

Allele frequency attached by ClinVar (database versions not stated): gnomAD exomes below 0.00001.
gnomAD v4.1: 2 of 1,614,164 alleles (0.00012%); highest among the groups gnomAD compares: African/African-American, 0.0027%; no homozygotes.

Submission:

Labcorp Genetics (formerly Invitae), Labcorp
Classification: Uncertain significance for Nephronophthisis 14. Last evaluated: 2022-09-01. Review status: criteria provided, single submitter. Criteria: Invitae Variant Classification Sherloc (09022015). Collection method: clinical testing. Allele origin: germline.
Comment: In summary, the available evidence is currently insufficient to determine the role of this variant in disease. Therefore, it has been classified as a Variant of Uncertain Significance. Algorithms developed to predict the effect of missense changes on protein structure and function output the following: SIFT: "Deleterious"; PolyPhen-2: "Benign"; Align-GVGD: "Class C0". The aspartic acid amino acid residue is found in multiple mammalian species, which suggests that this missense change does not adversely affect protein function. This variant has not been reported in the literature in individuals affected with ZNF423-related conditions. This variant is not present in population databases (gnomAD no frequency). This sequence change replaces glutamic acid, which is acidic and polar, with aspartic acid, which is acidic and polar, at codon 59 of the ZNF423 protein (p.Glu59Asp).

NM_001379286.1(ZNF423):c.201A>C (p.Glu67Asp)

Gene: ZNF423 (zinc finger protein 423; minus strand). Cytogenetic location: 16q12.1.
Variant type: single nucleotide variant.
Coding change: c.201A>C on transcript NM_001379286.1 (MANE Select); coding-DNA position 201, A replaced by C.
Protein change: p.Glu67Asp; replaces glutamic acid 67 with aspartic acid.
Molecular consequence: missense variant. On other transcripts: 5 prime UTR variant (1).
Genome position (GRCh38, 1-based): chr16:49,730,871, T>G on the plus strand (A>C on the coding strand, the complement: ZNF423 is on the minus strand). VCF-style: chr16-49730871-T-G. GRCh37 (hg19) VCF-style: chr16-49764782-T-G.
Other names: c.-4A>C (NM_001271620.2); c.177A>C, p.Glu59Asp (NM_015069.5); short protein forms E67D, E59D.
Identifiers: ClinVar variation 1969321 (VCV001969321.5), dbSNP rs2506313448, ClinGen allele CA396110380.
Genomic context (GRCh38, chr16:49,730,871, plus strand): 5'-CAGAGACTCGAAGTCCTGCTGACAGTGATCGCAGGTGTAAATTGATTCATCCTCCATGTC[T>G]TCATCATCCTCATTTCTCTCCTCTTGACTTGTCACGCTGTTCCTGTCTTCCAGCGCACGG-3'
Protein context (NP_001366215.1, residues 57-77): TSQEERNEDD[Glu67Asp]DMEDESIYTC